The following is an entry in ClinVar:

NM_003467.3(CXCR4):c.584G>A (p.Trp195Ter)

Gene: CXCR4 (C-X-C motif chemokine receptor 4; minus strand). Cytogenetic location: 2q22.1.
Variant type: single nucleotide variant.
Coding change: c.584G>A on transcript NM_003467.3 (MANE Select); coding-DNA position 584, G replaced by A.
Protein change: p.Trp195Ter; replaces tryptophan 195 with a stop codon.
Molecular consequence: nonsense.
Genome position (GRCh38, 1-based): chr2:136,115,344, C>T on the plus strand (G>A on the coding strand, the complement: CXCR4 is on the minus strand). VCF-style: chr2-136115344-C-T. GRCh37 (hg19) VCF-style: chr2-136872914-C-T.
Other names: c.596G>A, p.Trp199Ter (NM_001008540.2); c.797G>A, p.Trp266Ter (NM_001348056.2); c.683G>A, p.Trp228Ter (NM_001348059.2); c.539G>A, p.Trp180Ter (NM_001348060.2); short protein forms W180*, W195*, W199*, W228*, W266*.
Identifiers: ClinVar variation 2415989 (VCV002415989.5), dbSNP rs1447178923, ClinGen allele CA348658425.

ClinVar aggregate classification (germline): Uncertain significance. Review status: criteria provided, multiple submitters, no conflicts (2 of 4 stars). 2 submissions from 2 submitters: Uncertain significance (2). Last evaluated 2024-09-15.

Conditions:
Warts, hypogammaglobulinemia, infections, and myelokathexis. Also called: WHIM syndrome. Identifiers: MedGen C0472817, MONDO:0023880.

Allele frequency attached by ClinVar (database versions not stated): gnomAD exomes below 0.00001.

Submissions (2):

GeneDx
Classification: Uncertain significance. Last evaluated: 2024-09-15. Review status: criteria provided, single submitter. Criteria: GeneDx Variant Classification Process June 2021. Collection method: clinical testing. Allele origin: germline. Affected: yes.
Comment: Nonsense variant predicted to result in protein truncation as the last 158 amino acid(s) are lost; Not observed at significant frequency in large population cohorts (gnomAD); Has not been previously published as pathogenic or benign to our knowledge

Labcorp Genetics (formerly Invitae), Labcorp
Classification: Uncertain significance for Warts, hypogammaglobulinemia, infections, and myelokathexis. Last evaluated: 2022-04-10. Review status: criteria provided, single submitter. Criteria: Invitae Variant Classification Sherloc (09022015). Collection method: clinical testing. Allele origin: germline.
Comment: This sequence change creates a premature translational stop signal (p.Trp195*) in the CXCR4 gene. While this is not anticipated to result in nonsense mediated decay, it is expected to disrupt the last 158 amino acid(s) of the CXCR4 protein. In summary, the available evidence is currently insufficient to determine the role of this variant in disease. Therefore, it has been classified as a Variant of Uncertain Significance. Experimental studies and prediction algorithms are not available or were not evaluated, and the functional significance of this variant is currently unknown. This variant has not been reported in the literature in individuals affected with CXCR4-related conditions. This variant is present in population databases (no rsID available, gnomAD 0.0009%).